The following is an entry in ClinVar:

ClinVar aggregate classification (germline): Likely benign. Review status: criteria provided, multiple submitters, no conflicts (2 of 4 stars). 3 submissions from 3 submitters: Likely benign (3). Last evaluated 2025-02-13.

Allele frequency attached by ClinVar (database versions not stated): TOPMed below 0.00001; gnomAD 0.00002.
gnomAD v4.1: 13 of 1,430,260 alleles (0.00091%); highest among the groups gnomAD compares: Non-Finnish European, 0.0012%; no homozygotes.

Submissions (3):

Labcorp Genetics (formerly Invitae), Labcorp
Classification: Likely benign. Last evaluated: 2025-02-13. Review status: criteria provided, single submitter. Criteria: Invitae Variant Classification Sherloc (09022015). Collection method: clinical testing. Allele origin: germline.

CeGaT Center for Human Genetics Tuebingen
Classification: Likely benign. Last evaluated: 2023-01-01. Review status: criteria provided, single submitter. Criteria: CeGaT Center For Human Genetics Tuebingen Variant Classification Criteria Version 2. Collection method: clinical testing. Allele origin: germline. Affected: yes. Observed: 1 variant allele.
Comment: ARID1B: BP4, BP7

Blueprint Genetics
Classification: Likely benign. Last evaluated: 2022-06-08. Review status: criteria provided, single submitter. Criteria: ACMG Guidelines, 2015. Collection method: clinical testing. Allele origin: germline.

NM_001374828.1(ARID1B):c.1776C>G (p.Thr592=)

Gene: ARID1B (AT-rich interaction domain 1B; plus strand). Cytogenetic location: 6q25.3.
Variant type: single nucleotide variant.
Coding change: c.1776C>G on transcript NM_001374828.1 (MANE Select); coding-DNA position 1776, C replaced by G.
Protein change: p.Thr592=; no amino-acid change (threonine 592 retained).
Molecular consequence: synonymous variant.
Genome position (GRCh38, 1-based): chr6:156,779,456, C>G. VCF-style: chr6-156779456-C-G. GRCh37 (hg19) VCF-style: chr6-157100590-C-G.
Other names: c.1527C>G, p.Thr509= (NM_001346813.1, NM_020732.3); c.1776C>G, p.Thr592= (NM_001371656.1, NM_001374820.1, NM_017519.3); c.1353C>G, p.Thr451= (NM_175863.2).
Identifiers: ClinVar variation 2657058 (VCV002657058.26), dbSNP rs1163184862, ClinGen allele CA452990037.
Genomic context (GRCh38, chr6:156,779,456, plus strand): 5'-CTGGGCGGCCGCGCAACAAAGGAGTCACCCGGCGATGAGCCCCGGCACCCCCGGACCGAC[C>G]ATGGGCAGATCCCAGGTAACCCTCGCGCCAGCCGGGCCTGCTTCCGCCCGGCGGCCTCGC-3'
Protein context (NP_001361757.1, residues 582-602): PAMSPGTPGP[Thr592=]MGRSQGSPMD